The following is an entry in ClinVar:

NM_001384140.1(PCDH15):c.3877del (p.Arg1293fs)

Gene: PCDH15 (protocadherin related 15; minus strand). Cytogenetic location: 10q21.1.
Variant type: Deletion.
Coding change: c.3877del on transcript NM_001384140.1 (MANE Select); coding-DNA position 3877, one base deleted (C; older notation c.3877delC).
Protein change: p.Arg1293fs; shifts the reading frame from arginine 1293.
Molecular consequence: frameshift variant.
Genome position (GRCh38, 1-based): chr10:53,840,426, G deleted on the plus strand (C on the coding strand, the reverse complement: PCDH15 is on the minus strand); the first of 2 consecutive G bases (chr10:53,840,426-53,840,427); deleting either gives the same sequence. VCF-style (leftmost placement, unchanged base first): chr10-53840425-CG-C. GRCh37 (hg19) VCF-style: chr10-55600185-CG-C.
Other names: c.3892del, p.Arg1298fs (NM_001142763.2, NM_001142771.2); c.3877del, p.Arg1293fs (NM_001142764.2, NM_001142766.2, NM_001142770.3 and 4 more transcripts); c.3664del, p.Arg1222fs (NM_001142765.2); c.3766del, p.Arg1256fs (NM_001142767.2); c.3811del, p.Arg1271fs (NM_001142768.2, NM_001142773.2, NM_001354404.2); c.3912delC, p.Arg1305Glyfs (NM_001142769.4); c.3898del, p.Arg1300fs (NM_001354411.2); short protein forms R1222fs, R1256fs, R1271fs, R1293fs, R1298fs, R1300fs, R1305fs.
Identifiers: ClinVar variation 5011340 (VCV005011340.1).

ClinVar aggregate classification (germline): Pathogenic (1 of 4 stars; one submission).

Conditions:
Usher syndrome type 1F (USH1F). Also called: USHER SYNDROME, TYPE IF. Identifiers: Orphanet 231169, Orphanet 886, MedGen C1865885, MONDO:0011186, OMIM 602083.

Submission:

Myriad Genetics, Inc.
Classification: Pathogenic for Usher syndrome type 1F. Last evaluated: 2023-08-14. Review status: criteria provided, single submitter. Criteria: Myriad Autosomal Dominant, Autosomal Recessive and X-Linked Classification Criteria (2023). Collection method: clinical testing. Allele origin: unknown.
Comment: NM_033056.3(PCDH15):c.3877delC(R1293Gfs*8) is expected to be pathogenic in the context of PCDH15-related disorders. This variant is predicted to lead to an abnormal or absent protein product due to the creation of a premature termination codon in PCDH15, a gene where loss-of-function variants are known to be pathogenic. Please note: this variant was assessed in the context of healthy population screening.